The following is an entry in ClinVar:

NM_003886.3(AKAP4):c.108T>C (p.Asp36=)

Gene: AKAP4 (A-kinase anchoring protein 4; minus strand). Cytogenetic location: Xp11.22.
Variant type: single nucleotide variant.
Coding change: c.108T>C on transcript NM_003886.3 (MANE Select); coding-DNA position 108, T replaced by C.
Protein change: p.Asp36=; no amino-acid change (aspartic acid 36 retained).
Molecular consequence: synonymous variant.
Genome position (GRCh38, 1-based): chrX:50,198,672, A>G on the plus strand (T>C on the coding strand, the complement: AKAP4 is on the minus strand). VCF-style: chrX-50198672-A-G. GRCh37 (hg19) VCF-style: chrX-49963323-A-G.
Other names: c.81T>C, p.Asp27= (NM_139289.2).
Identifiers: ClinVar variation 2660541 (VCV002660541.24), dbSNP rs145092176, ClinGen allele CA10414377.
Genomic context (GRCh38, chrX:50,198,672, plus strand): 5'-TGCCAATTTTTCCTACTCCTCGGCATGAGTCATTTTTTATCTTACCACTTTCCGGTCCTG[A>G]TCTTGCTGTCCTTCTGGGTTGTAGAGATCTACCTTGCACACACCCCTGTGGCTGCGTAAC-3'
Protein context (NP_003877.2, residues 26-46): VDLYNPEGQQ[Asp36=]QDRKVICFVD

ClinVar aggregate classification (germline): Likely benign (1 of 4 stars; one submission).

Allele frequency attached by ClinVar (database versions not stated): TOPMed 0.00039; gnomAD 0.00046; ExAC 0.00056; gnomAD exomes 0.00066; ESP Exome Variant Server 0.00095.

Submission:

CeGaT Center for Human Genetics Tuebingen
Classification: Likely benign. Last evaluated: 2023-01-01. Review status: criteria provided, single submitter. Criteria: CeGaT Center For Human Genetics Tuebingen Variant Classification Criteria Version 2. Collection method: clinical testing. Allele origin: germline. Affected: yes. Observed: 1 variant allele.
Comment: AKAP4: BP4, BP7, BS2